The following is an entry in ClinVar:

ClinVar aggregate classification (germline): Uncertain significance. Review status: criteria provided, multiple submitters, no conflicts (2 of 4 stars). 2 submissions from 2 submitters: Uncertain significance (2). Last evaluated 2024-10-25.

Submissions (2):

Labcorp Genetics (formerly Invitae), Labcorp
Classification: Uncertain significance. Last evaluated: 2024-10-25. Review status: criteria provided, single submitter. Criteria: Invitae Variant Classification Sherloc (09022015). Collection method: clinical testing. Allele origin: germline.
Comment: This variant, c.3805_3807del, results in the deletion of 1 amino acid(s) of the TRIOBP protein (p.Glu1269del), but otherwise preserves the integrity of the reading frame. This variant is present in population databases (rs759069108, gnomAD 0.01%). This variant has not been reported in the literature in individuals affected with TRIOBP-related conditions. Experimental studies and prediction algorithms are not available or were not evaluated, and the functional significance of this variant is currently unknown. In summary, the available evidence is currently insufficient to determine the role of this variant in disease. Therefore, it has been classified as a Variant of Uncertain Significance.

Blueprint Genetics
Classification: Uncertain significance. Last evaluated: 2023-01-04. Review status: criteria provided, single submitter. Criteria: ACMG Guidelines, 2015. Collection method: clinical testing. Allele origin: germline.

NM_001039141.3(TRIOBP):c.3802GAG[1] (p.Glu1269del)

Gene: TRIOBP (TRIO and F-actin binding protein; plus strand). Cytogenetic location: 22q13.1.
Variant type: Microsatellite.
Coding change: c.3802GAG[1] on transcript NM_001039141.3 (MANE Select); one copy of the 3-base unit GAG starting at c.3802; the reference has two copies in a row; one copy, 3 bases deleted.
Protein change: p.Glu1269del; deletes glutamic acid 1269.
Molecular consequence: inframe deletion.
Genome position (GRCh38, 1-based): chr22:37,726,361-37,726,363, GAG deleted; deleting any 3 consecutive bases within chr22:37,726,357-37,726,363 gives the same sequence; the position shown is the placement nearest the transcript's 3' end. VCF-style (leftmost placement, unchanged base first): chr22-37726356-GGGA-G. GRCh37 (hg19) VCF-style: chr22-38122363-GGGA-G.
Other names: short protein forms E1269del.
Identifiers: ClinVar variation 1355381 (VCV001355381.7), dbSNP rs759069108, ClinGen allele CA10224220.